The following is an entry in ClinVar:

ClinVar aggregate classification (germline): Likely pathogenic (1 of 4 stars; one submission).

Conditions:
Alport syndrome. Also called: Hemorrhagic familial nephritis; Hemorrhagic hereditary nephritis; Congenital hereditary hematuria. Identifiers: Orphanet 63, MedGen C1567741, MONDO:0018965.

gnomAD v4.1: 1 of 1,610,482 alleles (0.000062%); highest among the groups gnomAD compares: East Asian, 0.0022%; no homozygotes.

Submission:

Natera, Inc.
Classification: Likely pathogenic for Alport syndrome. Last evaluated: 2025-08-20. Review status: criteria provided, single submitter. Criteria: Natera Variant Classification Schema (03/2026). Collection method: clinical testing. Allele origin: germline.
Comment: The c.218G>A variant in COL4A3 is a missense variant predicted to cause substitution of glycine to glutamic acid at amino acid 73. This variant is rare in the general population with a frequency below the threshold expected for the associated phenotype(s). This variant is located in a functionally critical region of the protein. Computational prediction algorithms indicate this variant is likely to affect gene or protein function. Given the available evidence, this variant is classified as Likely Pathogenic.

NM_000091.5(COL4A3):c.218G>A (p.Gly73Glu)

Genes: COL4A3 (collagen type IV alpha 3 chain; plus strand), MFF-DT (MFF divergent transcript; minus strand). Cytogenetic location: 2q36.3.
Variant type: single nucleotide variant.
Coding change: c.218G>A on transcript NM_000091.5 (MANE Select); coding-DNA position 218, G replaced by A.
Protein change: p.Gly73Glu; replaces glycine 73 with glutamic acid.
Molecular consequence: missense variant.
Genome position (GRCh38, 1-based): chr2:227,240,216, G>A. VCF-style: chr2-227240216-G-A. GRCh37 (hg19) VCF-style: chr2-228104932-G-A.
Other names: short protein forms G73E.
Identifiers: ClinVar variation 4817215 (VCV004817215.1).